The following is an entry in ClinVar:

ClinVar aggregate classification (germline): Pathogenic. Review status: criteria provided, multiple submitters, no conflicts (2 of 4 stars). 4 submissions from 4 submitters: Pathogenic (4). Last evaluated 2025-01-09.

Conditions:
Usher syndrome type 2A. Also called: RETINAL DISEASE IN USHER SYNDROME TYPE IIA, MODIFIER OF; USHER SYNDROME, TYPE IIA. Identifiers: Orphanet 231178, Orphanet 886, MedGen C1848634, MONDO:0010169, OMIM 276901.

Allele frequency attached by ClinVar (database versions not stated): gnomAD exomes below 0.00001.
gnomAD v4.1: 2 of 1,613,740 alleles (0.00012%); highest among the groups gnomAD compares: Non-Finnish European, 0.00017%; no homozygotes.

Submissions (4):

Natera, Inc.
Classification: Pathogenic for Usher syndrome type 2A. Last evaluated: 2025-01-09. Review status: criteria provided, single submitter. Criteria: Natera Variant Classification Schema (03/2026). Collection method: clinical testing. Allele origin: germline.
Comment: The c.4405C>T variant in USH2A is a nonsense variant predicted to introduce a stop codon at amino acid 1469. This variant is expected to result in nonsense mediated decay, truncation, or a dysfunctional protein product. This variant is rare in the general population with a frequency below the threshold expected for the associated phenotype(s). This variant has been observed in one or more individuals affected with the associated recessive disease, as either homozygous or compound heterozygous with a second variant (PMID: 15241801). Given the available evidence, this variant is classified as Pathogenic.

Genome-Nilou Lab
Classification: Pathogenic for Usher syndrome type 2A. Last evaluated: 2023-11-04. Review status: criteria provided, single submitter. Criteria: ACMG Guidelines, 2015. Collection method: clinical testing. Allele origin: germline. Affected: no.

Labcorp Genetics (formerly Invitae), Labcorp
Classification: Pathogenic. Last evaluated: 2020-11-21. Review status: criteria provided, single submitter. Criteria: Invitae Variant Classification Sherloc (09022015). Collection method: clinical testing. Allele origin: germline.
Comment: For these reasons, this variant has been classified as Pathogenic. This variant has been observed in individual(s) with Usher syndrome (PMID: 15241801, 27318125). This variant is also known as p.Gln1468X in the literature. ClinVar contains an entry for this variant (Variation ID: 208625). This variant is not present in population databases (ExAC no frequency). This sequence change creates a premature translational stop signal (p.Gln1469*) in the USH2A gene. It is expected to result in an absent or disrupted protein product. Loss-of-function variants in USH2A are known to be pathogenic (PMID: 10729113, 10909849, 20507924, 25649381).

Laboratory for Molecular Medicine, Mass General Brigham Personalized Medicine
Classification: Pathogenic for Usher syndrome, type 2A. Last evaluated: 2014-11-21. Review status: criteria provided, single submitter. Criteria: LMM Criteria. Collection method: clinical testing. Allele origin: germline. Inheritance: Autosomal recessive inheritance. Observed: 1 variant allele. Study: CSER-MedSeq.
Comment: The p.Gln1469X variant in USH2A has been reported in 1 compound heterozygous individual with Usher syndrome type II (Pennings 2004) and was absent from large population studies. This nonsense variant leads to a premature termination codon at position 1469, which is predicted to lead to a truncated or absent protein. Complete loss-of-function of the USH2A gene is an established disease mechanism in individuals with Usher syndrome type II. In summary, the p.Gln1469X variant in USH2A meets our criteria to be classified as pathogenic for Usher syndrome type II in an autosomal recessive manner.

Literature cited by the submitters: PubMed 15241801 (cited by 3 submitters); PubMed 27318125 (cited by Labcorp Genetics (formerly Invitae), Labcorp); PubMed 10729113 (cited by Labcorp Genetics (formerly Invitae), Labcorp); PubMed 10909849 (cited by Labcorp Genetics (formerly Invitae), Labcorp); PubMed 20507924 (cited by Labcorp Genetics (formerly Invitae), Labcorp); PubMed 25649381 (cited by Labcorp Genetics (formerly Invitae), Labcorp).

NM_206933.4(USH2A):c.4405C>T (p.Gln1469Ter)

Gene: USH2A (usherin; minus strand). Cytogenetic location: 1q41.
Variant type: single nucleotide variant.
Coding change: c.4405C>T on transcript NM_206933.4 (MANE Select); coding-DNA position 4405, C replaced by T.
Protein change: p.Gln1469Ter; replaces glutamine 1469 with a stop codon.
Molecular consequence: nonsense.
Genome position (GRCh38, 1-based): chr1:216,175,474, G>A on the plus strand (C>T on the coding strand, the complement: USH2A is on the minus strand). VCF-style: chr1-216175474-G-A. GRCh37 (hg19) VCF-style: chr1-216348816-G-A.
Other names: c.4405C>T, p.Gln1469Ter (NM_007123.6); short protein forms Q1469*.
Identifiers: ClinVar variation 208625 (VCV000208625.13), dbSNP rs797045113, ClinGen allele CA276026.